The following is an entry in ClinVar:

NM_003458.4(BSN):c.7550A>G (p.Glu2517Gly)

Gene: BSN (bassoon presynaptic cytomatrix protein; plus strand). Cytogenetic location: 3p21.31.
Variant type: single nucleotide variant.
Coding change: c.7550A>G on transcript NM_003458.4 (MANE Select); coding-DNA position 7550, A replaced by G.
Protein change: p.Glu2517Gly; replaces glutamic acid 2517 with glycine.
Molecular consequence: missense variant.
Genome position (GRCh38, 1-based): chr3:49,657,106, A>G. VCF-style: chr3-49657106-A-G. GRCh37 (hg19) VCF-style: chr3-49694539-A-G.
Other names: short protein forms E2517G.
Identifiers: ClinVar variation 4532598 (VCV004532598.2).

ClinVar aggregate classification (germline): Uncertain significance (1 of 4 stars; one submission).

Submission:

GeneDx
Classification: Uncertain significance. Last evaluated: 2026-02-11. Review status: criteria provided, single submitter. Criteria: GeneDx Variant Classification Process June 2021. Collection method: clinical testing. Allele origin: germline.
Comment: Not observed at significant frequency in large population cohorts (gnomAD); In silico analysis supports that this missense variant has a deleterious effect on protein structure/function; Has not been previously published as pathogenic or benign to our knowledge